The following is an entry in ClinVar:

ClinVar aggregate classification (germline): Benign (0 of 4 stars; one submission).

Conditions:
UBR4-related disorder. Also called: UBR4-related condition.

Allele frequency attached by ClinVar (database versions not stated): 1000 Genomes Project 0.13858; 1000 Genomes Project 30x 0.14163; ExAC 0.14447; gnomAD exomes 0.15067; gnomAD 0.17772; TOPMed 0.18924; ESP Exome Variant Server 0.19291.
gnomAD v4.1: 247,713 of 1,613,970 alleles (15%); highest among the groups gnomAD compares: African/African-American, 26%; 20,707 homozygotes.

Submission:

PreventionGenetics, part of Exact Sciences
Classification: Benign for UBR4-related condition. Last evaluated: 2019-11-06. Review status: no assertion criteria provided. Collection method: clinical testing. Allele origin: germline.
Comment: This variant is classified as benign based on ACMG/AMP sequence variant interpretation guidelines (Richards et al. 2015 PMID: 25741868, with internal and published modifications).

NM_020765.3(UBR4):c.3319A>G (p.Thr1107Ala)

Gene: UBR4 (ubiquitin protein ligase E3 component n-recognin 4; minus strand). Cytogenetic location: 1p36.13.
Variant type: single nucleotide variant.
Coding change: c.3319A>G on transcript NM_020765.3 (MANE Select); coding-DNA position 3319, A replaced by G.
Protein change: p.Thr1107Ala; replaces threonine 1107 with alanine.
Molecular consequence: missense variant.
Genome position (GRCh38, 1-based): chr1:19,173,066, T>C on the plus strand (A>G on the coding strand, the complement: UBR4 is on the minus strand). VCF-style: chr1-19173066-T-C. GRCh37 (hg19) VCF-style: chr1-19499560-T-C.
Other names: short protein forms T1107A.
Identifiers: ClinVar variation 3059107 (VCV003059107.2), dbSNP rs16862578, ClinGen allele CA651171.